The following is an entry in ClinVar:

NM_000368.5(TSC1):c.317A>G (p.Lys106Arg)

Gene: TSC1 (TSC complex subunit 1; minus strand). Cytogenetic location: 9q34.13.
Variant type: single nucleotide variant.
Coding change: c.317A>G on transcript NM_000368.5 (MANE Select); coding-DNA position 317, A replaced by G.
Protein change: p.Lys106Arg; replaces lysine 106 with arginine.
Molecular consequence: missense variant. On other transcripts: 5 prime UTR variant (1), intron variant (1).
Genome position (GRCh38, 1-based): chr9:132,925,633, T>C on the plus strand (A>G on the coding strand, the complement: TSC1 is on the minus strand). VCF-style: chr9-132925633-T-C. GRCh37 (hg19) VCF-style: chr9-135801020-T-C.
Other names: c.317A>G, p.Lys106Arg (NM_001162426.2); c.-47A>G (NM_001362177.2); c.210+1568A>G (NM_001162427.2); short protein forms K106R.
Identifiers: ClinVar variation 1008137 (VCV001008137.11), dbSNP rs1846812083, ClinGen allele CA375374460.
Genomic context (GRCh38, chr9:132,925,633, plus strand): 5'-TACAAACATCCTACCTTGAGACATTTTAGTAAAGAAGGCAAAAGAGGTGCTTGAGAGAGC[T>C]TATGCTTCCAAGATGGCTGCAGTCTTATGACATGACCCAGTAACGAGAGGATGGATAAAC-3'
Protein context (NP_000359.1, residues 96-116): VIRLQPSWKH[Lys106Arg]LSQAPLLPSL

ClinVar aggregate classification (germline): Uncertain significance. Review status: criteria provided, multiple submitters, no conflicts (2 of 4 stars). 2 submissions from 2 submitters: Uncertain significance (2). Last evaluated 2026-01-19.

Conditions:
Tuberous sclerosis 1 (TSC1). Identifiers: Orphanet 805, MedGen C1854465, MONDO:0008612, OMIM 191100.

Allele frequency attached by ClinVar (database versions not stated): gnomAD exomes below 0.00001.
gnomAD v4.1: 1 of 1,614,226 alleles (0.000062%); highest among the groups gnomAD compares: South Asian, 0.0011%; no homozygotes.

Submissions (2):

Dasa
Classification: Uncertain significance for Tuberous sclerosis 1. Last evaluated: 2026-01-19. Review status: criteria provided, single submitter. Criteria: DASA Assertion Criteria. Collection method: clinical testing. Allele origin: germline.
Comment: NM_000368.5(TSC1):c.317A>G (p.Lys106Arg) is a missense variant that results in the substitution of lysine with arginine. This variant is rare in population databases. Computational prediction algorithms are consistent with a deleterious effect. The currently available literature and clinical evidence are not sufficient to establish a definitive association between this variant and the reported condition. Therefore, this variant is classified as a variant of uncertain significance.

Labcorp Genetics (formerly Invitae), Labcorp
Classification: Uncertain significance for Tuberous sclerosis 1. Last evaluated: 2020-01-28. Review status: criteria provided, single submitter. Criteria: Invitae Variant Classification Sherloc (09022015). Collection method: clinical testing. Allele origin: germline.
Comment: In summary, the available evidence is currently insufficient to determine the role of this variant in disease. Therefore, it has been classified as a Variant of Uncertain Significance. Algorithms developed to predict the effect of missense changes on protein structure and function are either unavailable or do not agree on the potential impact of this missense change (SIFT: "Tolerated"; PolyPhen-2: "Probably Damaging"; Align-GVGD: "Class C0"). This variant has not been reported in the literature in individuals with TSC1-related conditions. This variant is not present in population databases (ExAC no frequency). This sequence change replaces lysine with arginine at codon 106 of the TSC1 protein (p.Lys106Arg). The lysine residue is highly conserved and there is a small physicochemical difference between lysine and arginine.